The following is an entry in ClinVar:

ClinVar aggregate classification (germline): Benign. Review status: criteria provided, multiple submitters, no conflicts (2 of 4 stars). 2 submissions from 2 submitters: Benign (2). Last evaluated 2018-06-14.

Allele frequency attached by ClinVar (database versions not stated): gnomAD exomes 0.37630; 1000 Genomes Project 0.46286; gnomAD 0.46517 and 0.47608; 1000 Genomes Project 30x 0.47080; TOPMed 0.47558.
gnomAD v4.1: 223,962 of 559,826 alleles (40%); highest among the groups gnomAD compares: African/African-American, 67%; 48,754 homozygotes.

Submissions (2):

GeneDx
Classification: Benign. Last evaluated: 2018-06-14. Review status: criteria provided, single submitter. Criteria: GeneDx Variant Classification (06012015). Collection method: clinical testing. Allele origin: germline. Affected: yes.
Comment: This variant is considered likely benign or benign based on one or more of the following criteria: it is a conservative change, it occurs at a poorly conserved position in the protein, it is predicted to be benign by multiple in silico algorithms, and/or has population frequency not consistent with disease.

Breakthrough Genomics
Classification: Benign. Review status: criteria provided, single submitter. Criteria: ACMG Guidelines, 2015. Collection method: not provided. Allele origin: germline. Inheritance: Autosomal recessive inheritance. Affected: yes.

NM_001379210.1(SLC25A26):c.300+115T>C

Gene: SLC25A26 (solute carrier family 25 member 26; plus strand). Cytogenetic location: 3p14.1.
Variant type: single nucleotide variant.
Coding change: c.300+115T>C on transcript NM_001379210.1 (MANE Select); 115 bases into the intron after coding-DNA position 300, T replaced by C.
Molecular consequence: intron variant.
Genome position (GRCh38, 1-based): chr3:66,243,427, T>C. VCF-style: chr3-66243427-T-C. GRCh37 (hg19) VCF-style: chr3-66293851-T-C.
Other names: c.300+115T>C (NM_173471.4); c.36+115T>C (NM_001350993.1, NM_001164796.1).
Identifiers: ClinVar variation 683896 (VCV000683896.2), dbSNP rs1678092, ClinGen allele CA11552460.
Genomic context (GRCh38, chr3:66,243,427, plus strand): 5'-TTTTCAGTACATATTTATTTCATTTTTTAAAAATTATTTTTAAATTATGAAAGTCATAAA[T>C]GGCAATAAATGTAAATGGATTAAATATGACAGTTCGAAGATAGAGCCTGACAACTAAAAG-3'